The following is an entry in ClinVar:

NM_014516.4(CNOT3):c.2066A>G (p.Lys689Arg)

Gene: CNOT3 (CCR4-NOT transcription complex subunit 3; plus strand). Cytogenetic location: 19q13.42.
Variant type: single nucleotide variant.
Coding change: c.2066A>G on transcript NM_014516.4 (MANE Select); coding-DNA position 2066, A replaced by G.
Protein change: p.Lys689Arg; replaces lysine 689 with arginine.
Molecular consequence: missense variant.
Genome position (GRCh38, 1-based): chr19:54,153,743, A>G. VCF-style: chr19-54153743-A-G. GRCh37 (hg19) VCF-style: chr19-54657480-A-G.
Other names: short protein forms K689R.
Identifiers: ClinVar variation 3905842 (VCV003905842.10).

ClinVar aggregate classification (germline): Uncertain significance (1 of 4 stars; one submission).

Submission:

CeGaT Center for Human Genetics Tuebingen
Classification: Uncertain significance. Last evaluated: 2025-07-01. Review status: criteria provided, single submitter. Criteria: CeGaT Center For Human Genetics Tuebingen Variant Classification Criteria Version 2. Collection method: clinical testing. Allele origin: germline. Affected: yes. Observed: 2 variant alleles.
Comment: CNOT3: PM2, PP2